The following is an entry in ClinVar:

ClinVar aggregate classification (germline): Conflicting classifications of pathogenicity. Review status: criteria provided, conflicting classifications (1 of 4 stars). 2 submissions from 2 submitters: Likely pathogenic (1); Uncertain significance (1). Last evaluated 2024-03-21.

Conditions:
Hereditary cancer-predisposing syndrome. Also called: Neoplastic Syndromes, Hereditary; Tumor predisposition; Hereditary Cancer Syndrome; Hereditary neoplastic syndrome. Identifiers: Orphanet 140162, MedGen C0027672, MeSH D009386, MONDO:0015356.
Ataxia-telangiectasia-like disorder 1 (ATLD1). Identifiers: Orphanet 251347, MedGen C4012790, MONDO:0024557, OMIM 604391.

Submissions (2):

Ambry Genetics
Classification: Uncertain significance for Hereditary cancer-predisposing syndrome. Last evaluated: 2024-03-21. Review status: criteria provided, single submitter. Criteria: Ambry Variant Classification Scheme 2023. Collection method: clinical testing. Allele origin: germline.
Comment: The p.Q677* variant (also known as c.2029C>T), located in coding exon 18 of the MRE11A gene, results from a C to T substitution at nucleotide position 2029. This changes the amino acid from a glutamine to a stop codon within coding exon 18. This alteration occurs at the 3' terminus of theMRE11A gene, is not expected to trigger nonsense-mediated mRNAdecay, and only impacts the last 4.5% of the protein. The exact functional effect of this alteration is unknown. Based on the available evidence, the clinical significance of this alteration remains unclear.

Baylor Genetics
Classification: Likely pathogenic for Ataxia-telangiectasia-like disorder 1. Last evaluated: 2023-11-22. Review status: criteria provided, single submitter. Criteria: ACMG Guidelines, 2015. Collection method: clinical testing. Allele origin: unknown.

NM_005591.4(MRE11):c.2029C>T (p.Gln677Ter)

Gene: MRE11 (MRE11 double strand break repair nuclease; minus strand). Cytogenetic location: 11q21.
Variant type: single nucleotide variant.
Coding change: c.2029C>T on transcript NM_005591.4 (MANE Select); coding-DNA position 2029, C replaced by T.
Protein change: p.Gln677Ter; replaces glutamine 677 with a stop codon.
Molecular consequence: nonsense.
Genome position (GRCh38, 1-based): chr11:94,429,952, G>A on the plus strand (C>T on the coding strand, the complement: MRE11 is on the minus strand). VCF-style: chr11-94429952-G-A. GRCh37 (hg19) VCF-style: chr11-94163118-G-A.
Other names: c.2026C>T, p.Gln676Ter (NM_001330347.2); c.1945C>T, p.Gln649Ter (NM_005590.4); short protein forms Q649*, Q676*, Q677*.
Identifiers: ClinVar variation 2676686 (VCV002676686.3), dbSNP rs2496165880, ClinGen allele CA382373512.
Genomic context (GRCh38, chr11:94,429,952, plus strand): 5'-AACAATATTACTTATTTACCTCACTTGATTCAAAATCAACCCCTTTCGATACTTGACTCT[G>A]GGACATGATTTTGCTGGATGATGTGCTGGACCACCTGAGGCAAAACAAAAACAAAAACAA-3'